The following is an entry in ClinVar:

NM_003238.6(TGFB2):c.375_378del (p.Tyr126fs)

Gene: TGFB2 (transforming growth factor beta 2; plus strand). Cytogenetic location: 1q41.
Variant type: Deletion.
Coding change: c.375_378del on transcript NM_003238.6 (MANE Select); coding-DNA positions 375 to 378, 4 bases deleted (CTAC; older notation c.375_378delCTAC).
Protein change: p.Tyr126fs; shifts the reading frame from tyrosine 126.
Molecular consequence: frameshift variant. On other transcripts: non-coding transcript variant (2).
Genome position (GRCh38, 1-based): chr1:218,405,197-218,405,200, CTAC deleted; deleting any 4 consecutive bases within chr1:218,405,196-218,405,200 gives the same sequence; the c. name uses the placement nearest the transcript's 3' end. VCF-style (leftmost placement, unchanged base first): chr1-218405195-CCCTA-C. GRCh37 (hg19) VCF-style: chr1-218578537-CCCTA-C.
Other names: c.459_462del, p.Tyr154fs (NM_001135599.4); short protein forms Y154fs, Y126fs.
Identifiers: ClinVar variation 2452021 (VCV002452021.2), dbSNP rs2464757569, ClinGen allele CA2580062176.

ClinVar aggregate classification (germline): Pathogenic (1 of 4 stars; one submission).

Conditions:
Familial thoracic aortic aneurysm and aortic dissection (TAAD). Also called: Thoracic aortic aneurysms and dissections. Identifiers: Orphanet 91387, MedGen C4707243, MONDO:0019625.

Submission:

Ambry Genetics
Classification: Pathogenic for Familial thoracic aortic aneurysm and aortic dissection. Last evaluated: 2023-01-31. Review status: criteria provided, single submitter. Criteria: Ambry Variant Classification Scheme 2023. Collection method: clinical testing. Allele origin: germline.
Comment: The c.375_378delCTAC pathogenic mutation, located in coding exon 2 of the TGFB2 gene, results from a deletion of 4 nucleotides at nucleotide positions 375 to 378, causing a translational frameshift with a predicted alternate stop codon (p.Y126Sfs*19). This variant is considered to be rare based on population cohorts in the Genome Aggregation Database (gnomAD). This alteration is expected to result in loss of function by premature protein truncation or nonsense-mediated mRNA decay. As such, this alteration is interpreted as a disease-causing mutation.